The following is an entry in ClinVar:

ClinVar aggregate classification (germline): Uncertain significance (1 of 4 stars; one submission).

Allele frequency attached by ClinVar (database versions not stated): gnomAD exomes below 0.00001.
gnomAD v4.1: 1 of 1,614,204 alleles (0.000062%); highest among the groups gnomAD compares: Admixed American, 0.0017%; no homozygotes.

Submission:

GeneDx
Classification: Uncertain significance. Last evaluated: 2019-11-12. Review status: criteria provided, single submitter. Criteria: GeneDx Variant Classification Process June 2021. Collection method: clinical testing. Allele origin: germline. Affected: yes.
Comment: Not observed in large population cohorts (Lek et al., 2016); In silico analysis, which includes protein predictors and evolutionary conservation, supports a deleterious effect; Has not been previously published as pathogenic or benign to our knowledge

NM_001059.3(TACR3):c.416C>T (p.Thr139Met)

Gene: TACR3 (tachykinin receptor 3; minus strand). Cytogenetic location: 4q24.
Variant type: single nucleotide variant.
Coding change: c.416C>T on transcript NM_001059.3 (MANE Select); coding-DNA position 416, C replaced by T.
Protein change: p.Thr139Met; replaces threonine 139 with methionine.
Molecular consequence: missense variant.
Genome position (GRCh38, 1-based): chr4:103,719,260, G>A on the plus strand (C>T on the coding strand, the complement: TACR3 is on the minus strand). VCF-style: chr4-103719260-G-A. GRCh37 (hg19) VCF-style: chr4-104640417-G-A.
Other names: short protein forms T139M.
Identifiers: ClinVar variation 1310388 (VCV001310388.2), dbSNP rs1723155703, ClinGen allele CA357964543.